The following is an entry in ClinVar:

NM_000245.4(MET):c.3405T>G (p.Ser1135Arg)

Gene: MET (MET proto-oncogene, receptor tyrosine kinase; plus strand). Cytogenetic location: 7q31.2.
Variant type: single nucleotide variant.
Coding change: c.3405T>G on transcript NM_000245.4 (MANE Select); coding-DNA position 3405, T replaced by G.
Protein change: p.Ser1135Arg; replaces serine 1135 with arginine.
Molecular consequence: missense variant.
Genome position (GRCh38, 1-based): chr7:116,778,840, T>G. VCF-style: chr7-116778840-T-G. GRCh37 (hg19) VCF-style: chr7-116418894-T-G.
Other names: c.3459T>G (LRG_662t1); c.3459T>G, p.Ser1153Arg (NM_001127500.3); c.2115T>G, p.Ser705Arg (NM_001324402.2); short protein forms S1153R, S705R, S1135R.
Identifiers: ClinVar variation 454241 (VCV000454241.9), dbSNP rs1554399556, ClinGen allele CA368990086.

ClinVar aggregate classification (germline): Uncertain significance. Review status: criteria provided, multiple submitters, no conflicts (2 of 4 stars). 2 submissions from 2 submitters: Uncertain significance (2). Last evaluated 2026-03-09.

Conditions:
Renal cell carcinoma. Identifiers: Orphanet 217071, MedGen C0007134, MeSH D002292, MONDO:0005086, HP:0005584.
Hereditary cancer-predisposing syndrome. Also called: Neoplastic Syndromes, Hereditary; Tumor predisposition; Hereditary neoplastic syndrome; Hereditary Cancer Syndrome. Identifiers: Orphanet 140162, MedGen C0027672, MeSH D009386, MONDO:0015356.

Submissions (2):

Ambry Genetics
Classification: Uncertain significance for Hereditary cancer-predisposing syndrome. Last evaluated: 2026-03-09. Review status: criteria provided, single submitter. Criteria: Ambry Variant Classification Scheme 2023. Collection method: clinical testing. Allele origin: germline.
Comment: The p.S1153R variant (also known as c.3459T>G), located in coding exon 16 of the MET gene, results from a T to G substitution at nucleotide position 3459. The serine at codon 1153 is replaced by arginine, an amino acid with dissimilar properties. This amino acid position is conserved. In addition, this alteration is predicted to be tolerated by in silico analysis. Based on the available evidence, the clinical significance of this variant remains unclear.

Labcorp Genetics (formerly Invitae), Labcorp
Classification: Uncertain significance for Renal cell carcinoma. Last evaluated: 2024-06-05. Review status: criteria provided, single submitter. Criteria: Invitae Variant Classification Sherloc (09022015). Collection method: clinical testing. Allele origin: germline.
Comment: This sequence change replaces serine, which is neutral and polar, with arginine, which is basic and polar, at codon 1153 of the MET protein (p.Ser1153Arg). This variant is not present in population databases (gnomAD no frequency). This variant has not been reported in the literature in individuals affected with MET-related conditions. ClinVar contains an entry for this variant (Variation ID: 454241). Advanced modeling of protein sequence and biophysical properties (such as structural, functional, and spatial information, amino acid conservation, physicochemical variation, residue mobility, and thermodynamic stability) performed at Invitae indicates that this missense variant is not expected to disrupt MET protein function with a negative predictive value of 80%. In summary, the available evidence is currently insufficient to determine the role of this variant in disease. Therefore, it has been classified as a Variant of Uncertain Significance.